The following is an entry in ClinVar:

NM_006231.4(POLE):c.5330G>A (p.Ser1777Asn)

Gene: POLE (DNA polymerase epsilon, catalytic subunit; minus strand). Cytogenetic location: 12q24.33.
Variant type: single nucleotide variant.
Coding change: c.5330G>A on transcript NM_006231.4 (MANE Select); coding-DNA position 5330, G replaced by A.
Protein change: p.Ser1777Asn; replaces serine 1777 with asparagine.
Molecular consequence: missense variant.
Genome position (GRCh38, 1-based): chr12:132,641,695, C>T on the plus strand (G>A on the coding strand, the complement: POLE is on the minus strand). VCF-style: chr12-132641695-C-T. GRCh37 (hg19) VCF-style: chr12-133218281-C-T.
Other names: short protein forms S1777N.
Identifiers: ClinVar variation 3225479 (VCV003225479.1), dbSNP rs2541880363, ClinGen allele CA387375897.

ClinVar aggregate classification (germline): Uncertain significance (1 of 4 stars; one submission).

Conditions:
Hereditary cancer-predisposing syndrome. Also called: Neoplastic Syndromes, Hereditary; Tumor predisposition; Hereditary neoplastic syndrome; Hereditary Cancer Syndrome. Identifiers: Orphanet 140162, MedGen C0027672, MeSH D009386, MONDO:0015356.

Submission:

Ambry Genetics
Classification: Uncertain significance for Hereditary cancer-predisposing syndrome. Last evaluated: 2024-03-14. Review status: criteria provided, single submitter. Criteria: Ambry Variant Classification Scheme 2023. Collection method: clinical testing. Allele origin: germline.
Comment: The p.S1777N variant (also known as c.5330G>A), located in coding exon 39 of the POLE gene, results from a G to A substitution at nucleotide position 5330. The serine at codon 1777 is replaced by asparagine, an amino acid with highly similar properties. This amino acid position is conserved. In addition, this alteration is predicted to be tolerated by in silico analysis. Based on the available evidence, the clinical significance of this alteration remains unclear.